The following is an entry in ClinVar:

ClinVar aggregate classification (germline): Pathogenic (1 of 4 stars; one submission).

Submission:

Labcorp Genetics (formerly Invitae), Labcorp
Classification: Pathogenic. Last evaluated: 2022-01-16. Review status: criteria provided, single submitter. Criteria: Invitae Variant Classification Sherloc (09022015). Collection method: clinical testing. Allele origin: germline.
Comment: For these reasons, this variant has been classified as Pathogenic. A similar copy number variant has been observed in individual(s) with hyperoxaluria (PMID: 11708860). This variant is a gross deletion of the genomic region encompassing exon(s) 1-5 of the AGXT gene, which includes the initiator codon. This deletion extends beyond the assayed region for this gene and therefore may encompass additional genes. It is expected to result in an absent or disrupted protein product. Loss-of-function variants in AGXT are known to be pathogenic (PMID: 19479957).

Literature cited by the submitters: PubMed 11708860; PubMed 19479957.

NC_000002.11:g.(?_241808273)_(241812476_?)del

Gene: AGXT (alanine--glyoxylate aminotransferase; plus strand). Cytogenetic location: 2q37.3.
Variant type: Deletion.
Identifiers: ClinVar variation 2422155 (VCV002422155.4).